The following is an entry in ClinVar:

ClinVar aggregate classification (germline): Uncertain significance (1 of 4 stars; one submission).

Conditions:
Myofibrillar myopathy 4. Also called: Zaspopathy (type). Identifiers: Orphanet 98912, MedGen C4721886, MONDO:0012277, OMIM 609452.

Submission:

Labcorp Genetics (formerly Invitae), Labcorp
Classification: Uncertain significance for Myofibrillar myopathy 4. Last evaluated: 2022-04-24. Review status: criteria provided, single submitter. Criteria: Invitae Variant Classification Sherloc (09022015). Collection method: clinical testing. Allele origin: germline.
Comment: In summary, the available evidence is currently insufficient to determine the role of this variant in disease. Therefore, it has been classified as a Variant of Uncertain Significance. Experimental studies and prediction algorithms are not available or were not evaluated, and the functional significance of this variant is currently unknown. This variant has not been reported in the literature in individuals affected with LDB3-related conditions. This variant is not present in population databases (gnomAD no frequency). This sequence change replaces proline, which is neutral and non-polar, with leucine, which is neutral and non-polar, at codon 716 of the LDB3 protein (p.Pro716Leu). The LDB3 gene has multiple clinically relevant transcripts. This variant occurs in alternate transcript NM_007078.3, and corresponds to NM_001080116.1:c.*33565C>T in the primary transcript.

NM_007078.3(LDB3):c.2147C>T (p.Pro716Leu)

Gene: LDB3 (LIM domain binding 3; plus strand). Cytogenetic location: 10q23.2.
Variant type: single nucleotide variant.
Coding change: c.2147C>T on transcript NM_007078.3 (MANE Select); coding-DNA position 2147, C replaced by T.
Protein change: p.Pro716Leu; replaces proline 716 with leucine.
Molecular consequence: missense variant.
Genome position (GRCh38, 1-based): chr10:86,732,939, C>T. VCF-style: chr10-86732939-C-T. GRCh37 (hg19) VCF-style: chr10-88492696-C-T.
Other names: c.1817C>T, p.Pro606Leu (NM_001080114.2); c.2162C>T, p.Pro721Leu (NM_001171610.2); c.1958C>T, p.Pro653Leu (NM_001368064.1, NM_001368065.1); c.2006C>T, p.Pro669Leu (NM_001368066.1); short protein forms P606L, P721L, P669L, P653L, P716L.
Identifiers: ClinVar variation 2189458 (VCV002189458.4), dbSNP rs2492882166, ClinGen allele CA377460397.
Genomic context (GRCh38, chr10:86,732,939, plus strand): 5'-TGCTCCAGGTCTGCCATGTGAATCTGGAGGGGCAGCCGTTCTACTCCAAGAAGGACAGAC[C>T]CCTGTGCAAGAAGCACGCACACACCATCAACTTGTAGGCGGCCAAGGCCGCCTGTGCTGA-3'
Protein context (NP_009009.1, residues 706-726): GQPFYSKKDR[Pro716Leu]LCKKHAHTIN